The following is an entry in ClinVar:

NM_005581.5(BCAM):c.714C>T (p.Ala238=)

Gene: BCAM (basal cell adhesion molecule (Lutheran blood group); plus strand). Cytogenetic location: 19q13.32.
Variant type: single nucleotide variant.
Coding change: c.714C>T on transcript NM_005581.5 (MANE Select); coding-DNA position 714, C replaced by T.
Protein change: p.Ala238=; no amino-acid change (alanine 238 retained).
Molecular consequence: synonymous variant.
Genome position (GRCh38, 1-based): chr19:44,813,550, C>T. VCF-style: chr19-44813550-C-T. GRCh37 (hg19) VCF-style: chr19-45316807-C-T.
Other names: c.714C>T, p.Ala238= (NM_001013257.2).
Identifiers: ClinVar variation 3056244 (VCV003056244.2), dbSNP rs3810140, ClinGen allele CA9504505.

ClinVar aggregate classification (germline): Benign (0 of 4 stars; one submission).

Conditions:
BCAM-related disorder. Also called: BCAM-related condition.

Allele frequency attached by ClinVar (database versions not stated): ESP Exome Variant Server 0.06249; TOPMed 0.07136; gnomAD 0.07338; ExAC 0.08562; 1000 Genomes Project 30x 0.08916; 1000 Genomes Project 0.09325.
gnomAD v4.1: 109,303 of 1,612,542 alleles (6.8%); highest among the groups gnomAD compares: South Asian, 18%; 4,688 homozygotes.

Submission:

PreventionGenetics, part of Exact Sciences
Classification: Benign for BCAM-related condition. Last evaluated: 2020-01-02. Review status: no assertion criteria provided. Collection method: clinical testing. Allele origin: germline.
Comment: This variant is classified as benign based on ACMG/AMP sequence variant interpretation guidelines (Richards et al. 2015 PMID: 25741868, with internal and published modifications).